The following is an entry in ClinVar:

ClinVar aggregate classification (germline): Uncertain significance (1 of 4 stars; one submission).

Allele frequency attached by ClinVar (database versions not stated): TOPMed 0.00001; ExAC 0.00007; 1000 Genomes Project 30x 0.00016; 1000 Genomes Project 0.00020.
gnomAD v4.1: 31 of 1,614,222 alleles (0.0019%); highest among the groups gnomAD compares: South Asian, 0.031%; no homozygotes.

Submission:

Labcorp Genetics (formerly Invitae), Labcorp
Classification: Uncertain significance. Last evaluated: 2022-06-04. Review status: criteria provided, single submitter. Criteria: Invitae Variant Classification Sherloc (09022015). Collection method: clinical testing. Allele origin: germline.
Comment: This sequence change replaces threonine, which is neutral and polar, with isoleucine, which is neutral and non-polar, at codon 114 of the C3 protein (p.Thr114Ile). This variant is present in population databases (rs552130054, gnomAD 0.04%). This variant has not been reported in the literature in individuals affected with C3-related conditions. Algorithms developed to predict the effect of missense changes on protein structure and function (SIFT, PolyPhen-2, Align-GVGD) all suggest that this variant is likely to be tolerated. In summary, the available evidence is currently insufficient to determine the role of this variant in disease. Therefore, it has been classified as a Variant of Uncertain Significance.

NM_000064.4(C3):c.341C>T (p.Thr114Ile)

Gene: C3 (complement C3; minus strand). Cytogenetic location: 19p13.3.
Variant type: single nucleotide variant.
Coding change: c.341C>T on transcript NM_000064.4 (MANE Select); coding-DNA position 341, C replaced by T.
Protein change: p.Thr114Ile; replaces threonine 114 with isoleucine.
Molecular consequence: missense variant.
Genome position (GRCh38, 1-based): chr19:6,718,339, G>A on the plus strand (C>T on the coding strand, the complement: C3 is on the minus strand). VCF-style: chr19-6718339-G-A. GRCh37 (hg19) VCF-style: chr19-6718350-G-A.
Other names: short protein forms T114I.
Identifiers: ClinVar variation 1928749 (VCV001928749.5), dbSNP rs552130054, ClinGen allele CA9129842.